The following is an entry in ClinVar:

ClinVar aggregate classification (germline): Uncertain significance (1 of 4 stars; one submission).

Conditions:
Joubert syndrome 37. Identifiers: MedGen C5543064, MONDO:0030933, OMIM 619185.

Submission:

Neuberg Centre For Genomic Medicine, NCGM
Classification: Uncertain significance for Joubert syndrome 37. Last evaluated: 2023-05-20. Review status: criteria provided, single submitter. Criteria: ACMG Guidelines, 2015. Collection method: clinical testing. Allele origin: germline. Inheritance: Autosomal recessive inheritance. Affected: yes.
Comment: The deletion insertion c.2923_2924delTCinsAA variant in the TOGARAM1 gene has not been reported previously as a pathogenic variant nor as a benign variant, to our knowledge. This variant is reported with the allele frequency (0.01%) in the gnomAD Exomes. The amino acid Serine at position 975 is changed to a Asparagine changing protein sequence and it might alter its composition and physico-chemical properties. For these reasons, this variant has been classified as Uncertain Significance.

NM_001308120.2(TOGARAM1):c.2923_2924delinsAA (p.Ser975Asn)

Gene: TOGARAM1 (TOG array regulator of axonemal microtubules 1; plus strand). Cytogenetic location: 14q21.2.
Variant type: Indel.
Coding change: c.2923_2924delinsAA on transcript NM_001308120.2 (MANE Select); coding-DNA positions 2923 to 2924, TC replaced by AA.
Protein change: p.Ser975Asn; replaces serine 975 with asparagine.
Molecular consequence: missense variant.
Genome position (GRCh38, 1-based): chr14:45,008,931-45,008,932, TC replaced by AA. VCF-style: chr14-45008931-TC-AA. GRCh37 (hg19) VCF-style: chr14-45478134-TC-AA.
Other names: c.2923_2924delinsAA, p.Ser975Asn (NM_015091.4); c.2923_2924delTCinsAA (NM_001308120.2); short protein forms S975N.
Identifiers: ClinVar variation 3367059 (VCV003367059.1).